The following is an entry in ClinVar:

ClinVar aggregate classification (germline): Uncertain significance. Review status: criteria provided, multiple submitters, no conflicts (2 of 4 stars). 4 submissions from 4 submitters: Uncertain significance (4). Last evaluated 2023-09-25.

Conditions:
Hereditary cancer-predisposing syndrome. Also called: Neoplastic Syndromes, Hereditary; Hereditary Cancer Syndrome; Hereditary neoplastic syndrome; Tumor predisposition. Identifiers: Orphanet 140162, MedGen C0027672, MeSH D009386, MONDO:0015356.
Melanoma, cutaneous malignant, susceptibility to, 1 (CMM1). Also called: B-K MOLE SYNDROME; MELANOMA, MALIGNANT; DYSPLASTIC NEVUS SYNDROME, HEREDITARY; FAMILIAL ATYPICAL MOLE-MALIGNANT MELANOMA SYNDROME. Identifiers: Orphanet 618, MedGen C1835047, MONDO:0007963, OMIM 155600.
Peutz-Jeghers syndrome (PJS). Also called: Peutz-Jeghers polyposis; Periorificial lentiginosis syndrome; POLYPOSIS, HAMARTOMATOUS INTESTINAL; POLYPS-AND-SPOTS SYNDROME. Identifiers: Orphanet 2869, MedGen C0031269, MeSH D010580, MONDO:0008280, OMIM 175200.

Allele frequency attached by ClinVar (database versions not stated): gnomAD exomes below 0.00001.
gnomAD v4.1: 1 of 1,612,222 alleles (0.000062%); no homozygotes.

Submissions (4):

Labcorp Genetics (formerly Invitae), Labcorp
Classification: Uncertain significance for Peutz-Jeghers syndrome. Last evaluated: 2023-09-25. Review status: criteria provided, single submitter. Criteria: Invitae Variant Classification Sherloc (09022015). Collection method: clinical testing. Allele origin: germline.
Comment: This sequence change replaces methionine, which is neutral and non-polar, with valine, which is neutral and non-polar, at codon 22 of the STK11 protein (p.Met22Val). This variant is present in population databases (no rsID available, gnomAD 0.01%). This missense change has been observed in individual(s) with breast and thyroid cancer (PMID: 30093976). ClinVar contains an entry for this variant (Variation ID: 826447). Advanced modeling of protein sequence and biophysical properties (such as structural, functional, and spatial information, amino acid conservation, physicochemical variation, residue mobility, and thermodynamic stability) performed at Invitae indicates that this missense variant is not expected to disrupt STK11 protein function. In summary, the available evidence is currently insufficient to determine the role of this variant in disease. Therefore, it has been classified as a Variant of Uncertain Significance.

Ambry Genetics
Classification: Uncertain significance for Hereditary cancer-predisposing syndrome. Last evaluated: 2023-07-27. Review status: criteria provided, single submitter. Criteria: Ambry Variant Classification Scheme 2023. Collection method: clinical testing. Allele origin: germline.
Comment: The p.M22V variant (also known as c.64A>G), located in coding exon 1 of the STK11 gene, results from an A to G substitution at nucleotide position 64. The methionine at codon 22 is replaced by valine, an amino acid with highly similar properties. This amino acid position is highly conserved in available vertebrate species. In addition, the in silico prediction for this alteration is inconclusive. Since supporting evidence is limited at this time, the clinical significance of this alteration remains unclear.

Baylor Genetics
Classification: Uncertain significance for Melanoma, cutaneous malignant, susceptibility to, 1. Last evaluated: 2023-07-16. Review status: criteria provided, single submitter. Criteria: ACMG Guidelines, 2015. Collection method: clinical testing. Allele origin: unknown.

Genome-Nilou Lab
Classification: Uncertain significance for Peutz-Jeghers syndrome. Last evaluated: 2021-07-15. Review status: criteria provided, single submitter. Criteria: ACMG Guidelines, 2015. Collection method: clinical testing. Allele origin: germline. Affected: no.

Literature cited by the submitters: PubMed 30093976 (cited by Labcorp Genetics (formerly Invitae), Labcorp).

NM_000455.5(STK11):c.64A>G (p.Met22Val)

Gene: STK11 (serine/threonine kinase 11; plus strand). Cytogenetic location: 19p13.3.
Variant type: single nucleotide variant.
Coding change: c.64A>G on transcript NM_000455.5 (MANE Select); coding-DNA position 64, A replaced by G.
Protein change: p.Met22Val; replaces methionine 22 with valine.
Molecular consequence: missense variant.
Genome position (GRCh38, 1-based): chr19:1,206,977, A>G. VCF-style: chr19-1206977-A-G. GRCh37 (hg19) VCF-style: chr19-1206976-A-G.
Other names: short protein forms M22V.
Identifiers: ClinVar variation 826447 (VCV000826447.17), dbSNP rs1174992777, ClinGen allele CA402943405.